The following is an entry in ClinVar:

NM_000135.4(FANCA):c.2755G>A (p.Val919Met)

Gene: FANCA (FA complementation group A; minus strand). Cytogenetic location: 16q24.3.
Variant type: single nucleotide variant.
Coding change: c.2755G>A on transcript NM_000135.4 (MANE Select); coding-DNA position 2755, G replaced by A.
Protein change: p.Val919Met; replaces valine 919 with methionine.
Molecular consequence: missense variant.
Genome position (GRCh38, 1-based): chr16:89,764,913, C>T on the plus strand (G>A on the coding strand, the complement: FANCA is on the minus strand). VCF-style: chr16-89764913-C-T. GRCh37 (hg19) VCF-style: chr16-89831321-C-T.
Other names: c.2755G>A, p.Val919Met (NM_001286167.3); short protein forms V919M.
Identifiers: ClinVar variation 1692211 (VCV001692211.2), dbSNP rs150330232, ClinGen allele CA8251576.

ClinVar aggregate classification (germline): Uncertain significance. Review status: criteria provided, multiple submitters, no conflicts (2 of 4 stars). 2 submissions from 2 submitters: Uncertain significance (2). Last evaluated 2025-05-03.

Conditions:
Inborn genetic diseases. Identifiers: MedGen C0950123, MeSH D030342.
Fanconi anemia (FA). Also called: Fanconi's anemia. Identifiers: Orphanet 84, MedGen C0015625, MeSH D005199, MONDO:0019391.

Allele frequency attached by ClinVar (database versions not stated): TOPMed 0.00002; gnomAD 0.00001.
gnomAD v4.1: 7 of 1,614,026 alleles (0.00043%); highest among the groups gnomAD compares: African/African-American, 0.0093%; no homozygotes.

Submissions (2):

Ambry Genetics
Classification: Uncertain significance for Inborn genetic diseases. Last evaluated: 2025-05-03. Review status: criteria provided, single submitter. Criteria: Ambry Variant Classification Scheme 2023. Collection method: clinical testing. Allele origin: germline.
Comment: The p.V919M variant (also known as c.2755G>A), located in coding exon 28 of the FANCA gene, results from a G to A substitution at nucleotide position 2755. The valine at codon 919 is replaced by methionine, an amino acid with highly similar properties. This amino acid position is conserved. In addition, this alteration is predicted to be tolerated by in silico analysis. Based on the available evidence, the clinical significance of this variant remains unclear.

Sema4
Classification: Uncertain significance for Fanconi anemia. Last evaluated: 2022-02-28. Review status: criteria provided, single submitter. Criteria: Sema4 Curation Guidelines. Collection method: curation. Allele origin: germline.
Comment: The FANCA c.2755G>A (p.V919M) variant has not been reported in the literature to our knowledge. This variant was observed in 1/251454 chromosomes across all populations, in the large and broad cohorts of the Genome Aggregation Database (PMID: 32461654). The variant has not been reported in ClinVar. Functional studies have not been performed, and in silico predictions of the variant's effect on protein function are inconclusive. The evidence is insufficient to meet ACMG/AMP criteria for classifying the variant as benign or pathogenic. Thus, the clinical significance of this variant is currently uncertain.